The following is an entry in ClinVar:

NM_000270.4(PNP):c.841A>G (p.Ser281Gly)

Gene: PNP (purine nucleoside phosphorylase; plus strand). Cytogenetic location: 14q11.2.
Variant type: single nucleotide variant.
Coding change: c.841A>G on transcript NM_000270.4 (MANE Select); coding-DNA position 841, A replaced by G.
Protein change: p.Ser281Gly; replaces serine 281 with glycine.
Molecular consequence: missense variant.
Genome position (GRCh38, 1-based): chr14:20,476,572, A>G. VCF-style: chr14-20476572-A-G. GRCh37 (hg19) VCF-style: chr14-20944731-A-G.
Other names: p.Ser281Gly; short protein forms S281G.
Identifiers: ClinVar variation 2683245 (VCV002683245.1), dbSNP rs1882119651, ClinGen allele CA389146284.

ClinVar aggregate classification (germline): Uncertain significance (1 of 4 stars; one submission).

Allele frequency attached by ClinVar (database versions not stated): TOPMed below 0.00001.

Submission:

Mayo Clinic Laboratories, Mayo Clinic
Classification: Uncertain significance. Last evaluated: 2023-04-11. Review status: criteria provided, single submitter. Criteria: ACMG Guidelines, 2015. Collection method: clinical testing. Allele origin: germline. Observed: 1 variant allele.
Comment: BP4, PM2